The following is an entry in ClinVar:

ClinVar aggregate classification (germline): Benign/Likely benign. Review status: criteria provided, multiple submitters, no conflicts (2 of 4 stars). 3 submissions from 3 submitters: Benign (1); Likely benign (2). Last evaluated 2024-05-06.

Conditions:
Familial cancer of breast. Also called: Hereditary breast cancer; hereditary breast carcinoma; BREAST CANCER, FAMILIAL. Identifiers: Orphanet 227535, MedGen C0346153, MONDO:0016419, OMIM 114480. Disease mechanism: loss of function.
Ataxia-telangiectasia syndrome (AT). Also called: LOUIS-BAR SYNDROME; Cerebello-oculocutaneous telangiectasia; Immunodeficiency with ataxia telangiectasia; Ataxia telangiectasia (A-T); ATAXIA-TELANGIECTASIA, COMPLEMENTATION GROUP A; ATAXIA-TELANGIECTASIA, FRESNO VARIANT. Identifiers: Orphanet 100, MedGen C0004135, MONDO:0008840, OMIM 208900.
Hereditary cancer-predisposing syndrome. Also called: Hereditary Cancer Syndrome; Hereditary neoplastic syndrome; Neoplastic Syndromes, Hereditary; Tumor predisposition. Identifiers: Orphanet 140162, MedGen C0027672, MeSH D009386, MONDO:0015356.

Submissions (3):

Labcorp Genetics (formerly Invitae), Labcorp
Classification: Likely benign for Ataxia-telangiectasia syndrome. Last evaluated: 2024-05-06. Review status: criteria provided, single submitter. Criteria: Invitae Variant Classification Sherloc (09022015). Collection method: clinical testing. Allele origin: germline.

Myriad Genetics, Inc.
Classification: Benign for Familial cancer of breast. Last evaluated: 2024-04-24. Review status: criteria provided, single submitter. Criteria: Myriad Autosomal Dominant, Autosomal Recessive and X-Linked Classification Criteria (2023). Collection method: clinical testing. Allele origin: unknown.
Comment: This variant is considered benign. This variant is a silent/synonymous amino acid change and it is not expected to impact splicing.

Ambry Genetics
Classification: Likely benign for Hereditary cancer-predisposing syndrome. Last evaluated: 2023-12-16. Review status: criteria provided, single submitter. Criteria: Ambry Variant Classification Scheme 2023. Collection method: clinical testing. Allele origin: germline.

NM_000051.4(ATM):c.951T>C (p.Asp317=)

Gene: ATM (ATM serine/threonine kinase; plus strand). Cytogenetic location: 11q22.3.
Variant type: single nucleotide variant.
Coding change: c.951T>C on transcript NM_000051.4 (MANE Select); coding-DNA position 951, T replaced by C.
Protein change: p.Asp317=; no amino-acid change (aspartic acid 317 retained).
Molecular consequence: synonymous variant.
Genome position (GRCh38, 1-based): chr11:108,247,013, T>C. VCF-style: chr11-108247013-T-C. GRCh37 (hg19) VCF-style: chr11-108117740-T-C.
Other names: c.951T>C, p.Asp317= (NM_001351834.2).
Identifiers: ClinVar variation 2856516 (VCV002856516.5), dbSNP rs876659199, ClinGen allele CA476671517.